The following is an entry in ClinVar:

ClinVar aggregate classification (germline): Conflicting classifications of pathogenicity. Review status: criteria provided, conflicting classifications (1 of 4 stars). 7 submissions from 7 submitters: Uncertain significance (2); Likely benign (4). 1 of the submissions does not count toward it. Last evaluated 2026-01-11.

Conditions:
Monogenic diabetes. Identifiers: Orphanet 183625, MedGen C3888631, MONDO:0015967.
Inborn genetic diseases. Identifiers: MedGen C0950123, MeSH D030342.
ABCC8-related disorder.

Allele frequency attached by ClinVar (database versions not stated): ESP Exome Variant Server 0.00085; gnomAD 0.00086 and 0.00093; TOPMed 0.00091; 1000 Genomes Project 30x 0.00094; gnomAD exomes 0.00007 and 0.00014; ExAC 0.00017; 1000 Genomes Project 0.00040.
gnomAD v4.1: 242 of 1,614,010 alleles (0.015%); highest among the groups gnomAD compares: African/African-American, 0.29%; 1 homozygote.

Submissions (7):

Labcorp Genetics (formerly Invitae), Labcorp
Classification: Likely benign. Last evaluated: 2026-01-11. Review status: criteria provided, single submitter. Criteria: Invitae Variant Classification Sherloc (09022015). Collection method: clinical testing. Allele origin: germline.

Women's Health and Genetics/Laboratory Corporation of America, LabCorp
Classification: Uncertain significance. Last evaluated: 2024-09-10. Review status: criteria provided, single submitter. Criteria: LabCorp Variant Classification Summary - May 2015. Collection method: clinical testing. Allele origin: germline.
Comment: Variant summary: ABCC8 c.1874C>T (p.Ala625Val) results in a non-conservative amino acid change in the encoded protein sequence. Three of five in-silico tools predict a benign effect of the variant on protein function. The variant allele was found at a frequency of 0.00014 in 251150 control chromosomes, predominantly at a frequency of 0.0019 within the African or African-American subpopulation in the gnomAD database. This frequency is not significantly higher than estimated for a pathogenic variant in ABCC8 causing Congenital Hyperinsulinism (0.00014 vs 0.0034), allowing no conclusion about variant significance. c.1874C>T has been reported in the literature in individuals affected with Obesity, without strong evidence for causality (Foucan_2018). These report(s) do not provide unequivocal conclusions about association of the variant with Congenital Hyperinsulinism. To our knowledge, no experimental evidence demonstrating an impact on protein function has been reported. The following publication has been ascertained in the context of this evaluation (PMID: 29216354). ClinVar contains an entry for this variant (Variation ID: 596784). Based on the evidence outlined above, the variant was classified as uncertain significance.

Ambry Genetics
Classification: Likely benign for Inborn genetic diseases. Last evaluated: 2021-10-01. Review status: criteria provided, single submitter. Criteria: Ambry Variant Classification Scheme 2023. Collection method: clinical testing. Allele origin: germline.

Eurofins Ntd Llc (ga)
Classification: Uncertain significance. Last evaluated: 2018-04-02. Review status: criteria provided, single submitter. Criteria: EGL ClinVar v180209 classification definitions. Collection method: clinical testing. Allele origin: germline. Observed: 1 variant allele, 1 heterozygote.

Personalized Diabetes Medicine Program, University of Maryland School of Medicine
Classification: Likely benign for Monogenic diabetes. Last evaluated: 2018-02-27. Review status: criteria provided, single submitter. Criteria: ACMG Guidelines, 2015. Collection method: research. Allele origin: unknown. Observed: 1 variant allele, 1 heterozygote.
Comment: ACMG criteria: PP3 (3 predictors), BP4 (7 predictors), BS2 (3 cases and 4 controls in T2DM, 59 copies in gnomAD)=likely benign

Genetic Services Laboratory, University of Chicago
Classification: Likely benign. Last evaluated: 2018-01-09. Review status: criteria provided, single submitter. Criteria: ACMG Guidelines, 2015. Collection method: clinical testing. Allele origin: germline. Affected: no.

PreventionGenetics, part of Exact Sciences
Classification: Likely benign for ABCC8-related condition. Last evaluated: 2022-09-08. Review status: no assertion criteria provided. Collection method: clinical testing. Allele origin: germline. Not counted in ClinVar's aggregate classification.
Comment: This variant is classified as likely benign based on ACMG/AMP sequence variant interpretation guidelines (Richards et al. 2015 PMID: 25741868, with internal and published modifications).

Literature cited by the submitters: PubMed 29216354 (cited by Women's Health and Genetics/Laboratory Corporation of America, LabCorp).

NM_000352.6(ABCC8):c.1874C>T (p.Ala625Val)

Gene: ABCC8 (ATP binding cassette subfamily C member 8; minus strand). Cytogenetic location: 11p15.1.
Variant type: single nucleotide variant.
Coding change: c.1874C>T on transcript NM_000352.6 (MANE Select); coding-DNA position 1874, C replaced by T.
Protein change: p.Ala625Val; replaces alanine 625 with valine.
Molecular consequence: missense variant. On other transcripts: non-coding transcript variant (1).
Genome position (GRCh38, 1-based): chr11:17,428,614, G>A on the plus strand (C>T on the coding strand, the complement: ABCC8 is on the minus strand). VCF-style: chr11-17428614-G-A. GRCh37 (hg19) VCF-style: chr11-17450161-G-A.
Other names: c.1874C>T, p.Ala625Val (NM_001287174.3, NM_001351295.2); c.1871C>T, p.Ala624Val (NM_001351296.2, NM_001351297.2); c.1874C>T (NM_000352.3); short protein forms A625V, A624V.
Identifiers: ClinVar variation 596784 (VCV000596784.26), dbSNP rs148709148, ClinGen allele CA5903407.